The following is an entry in ClinVar:

ClinVar aggregate classification (germline): Uncertain significance (1 of 4 stars; one submission).

Allele frequency attached by ClinVar (database versions not stated): gnomAD exomes below 0.00001; ExAC 0.00001; gnomAD 0.00001; TOPMed 0.00002.
gnomAD v4.1: 9 of 1,561,070 alleles (0.00058%); highest among the groups gnomAD compares: East Asian, 0.0045%; no homozygotes.

Submission:

Labcorp Genetics (formerly Invitae), Labcorp
Classification: Uncertain significance. Last evaluated: 2023-11-27. Review status: criteria provided, single submitter. Criteria: Invitae Variant Classification Sherloc (09022015). Collection method: clinical testing. Allele origin: germline.
Comment: This sequence change replaces glutamic acid, which is acidic and polar, with glutamine, which is neutral and polar, at codon 4 of the MAPKAPK3 protein (p.Glu4Gln). This variant is present in population databases (rs766895982, gnomAD 0.003%). This variant has not been reported in the literature in individuals affected with MAPKAPK3-related conditions. ClinVar contains an entry for this variant (Variation ID: 1058149). Algorithms developed to predict the effect of missense changes on protein structure and function output the following: SIFT: "Not Available"; PolyPhen-2: "Possibly Damaging"; Align-GVGD: "Not Available". The glutamine amino acid residue is found in multiple mammalian species, which suggests that this missense change does not adversely affect protein function. In summary, the available evidence is currently insufficient to determine the role of this variant in disease. Therefore, it has been classified as a Variant of Uncertain Significance.

NM_001243925.2(MAPKAPK3):c.10G>C (p.Glu4Gln)

Gene: MAPKAPK3 (MAPK activated protein kinase 3; plus strand). Cytogenetic location: 3p21.2.
Variant type: single nucleotide variant.
Coding change: c.10G>C on transcript NM_001243925.2 (MANE Select); coding-DNA position 10, G replaced by C.
Protein change: p.Glu4Gln; replaces glutamic acid 4 with glutamine.
Molecular consequence: missense variant.
Genome position (GRCh38, 1-based): chr3:50,617,575, G>C. VCF-style: chr3-50617575-G-C. GRCh37 (hg19) VCF-style: chr3-50655006-G-C.
Other names: c.10G>C, p.Glu4Gln (NM_001243926.2, NM_004635.5); short protein forms E4Q.
Identifiers: ClinVar variation 1058149 (VCV001058149.5), dbSNP rs766895982, ClinGen allele CA2420132.